The following is an entry in ClinVar:

NM_015627.3(LDLRAP1):c.122C>T (p.Thr41Met)

Gene: LDLRAP1 (low density lipoprotein receptor adaptor protein 1; plus strand). Cytogenetic location: 1p36.11.
Variant type: single nucleotide variant.
Coding change: c.122C>T on transcript NM_015627.3 (MANE Select); coding-DNA position 122, C replaced by T.
Protein change: p.Thr41Met; replaces threonine 41 with methionine.
Molecular consequence: missense variant.
Genome position (GRCh38, 1-based): chr1:25,553,955, C>T. VCF-style: chr1-25553955-C-T. GRCh37 (hg19) VCF-style: chr1-25880446-C-T.
Other names: short protein forms T41M.
Identifiers: ClinVar variation 646841 (VCV000646841.20), dbSNP rs142920998, ClinGen allele CA695442.

ClinVar aggregate classification (germline): Conflicting classifications of pathogenicity. Review status: criteria provided, conflicting classifications (1 of 4 stars). 5 submissions from 5 submitters: Uncertain significance (2); Likely benign (1). 2 of the submissions do not count toward it. Last evaluated 2024-10-23.

Conditions:
LDLRAP1-related disorder. Also called: LDLRAP1-related condition.
Cardiovascular phenotype. Identifiers: MedGen CN230736.
Familial hypercholesterolemia. Also called: Familial hypercholesterolemias; Familial hypercholesterolaemia. Identifiers: MedGen C0020445, MONDO:0005439.
Hypercholesterolemia, familial, 4 (FHCL4). Also called: HYPERCHOLESTEROLEMIA, AUTOSOMAL RECESSIVE, 1; HYPERCHOLESTEROLEMIA, AUTOSOMAL RECESSIVE, 2. Identifiers: Orphanet 391665, MedGen C1863512, MONDO:0011374, OMIM 603813.

Allele frequency attached by ClinVar (database versions not stated): gnomAD 0.00006; TOPMed 0.00014; ESP Exome Variant Server 0.00015; 1000 Genomes Project 0.00020; 1000 Genomes Project 30x 0.00031.
gnomAD v4.1: 44 of 1,613,974 alleles (0.0027%); highest among the groups gnomAD compares: African/African-American, 0.043%; no homozygotes.

Submissions (5):

Labcorp Genetics (formerly Invitae), Labcorp
Classification: Uncertain significance for Hypercholesterolemia, familial, 4. Last evaluated: 2024-10-23. Review status: criteria provided, single submitter. Criteria: Invitae Variant Classification Sherloc (09022015). Collection method: clinical testing. Allele origin: germline.
Comment: This sequence change replaces threonine, which is neutral and polar, with methionine, which is neutral and non-polar, at codon 41 of the LDLRAP1 protein (p.Thr41Met). This variant is present in population databases (rs142920998, gnomAD 0.04%). This variant has not been reported in the literature in individuals affected with LDLRAP1-related conditions. ClinVar contains an entry for this variant (Variation ID: 646841). Invitae Evidence Modeling of protein sequence and biophysical properties (such as structural, functional, and spatial information, amino acid conservation, physicochemical variation, residue mobility, and thermodynamic stability) indicates that this missense variant is expected to disrupt LDLRAP1 protein function with a positive predictive value of 80%. In summary, the available evidence is currently insufficient to determine the role of this variant in disease. Therefore, it has been classified as a Variant of Uncertain Significance.

Ambry Genetics
Classification: Likely benign for Cardiovascular phenotype. Last evaluated: 2023-07-05. Review status: criteria provided, single submitter. Criteria: Ambry Variant Classification Scheme 2023. Collection method: clinical testing. Allele origin: germline.

Fulgent Genetics
Classification: Uncertain significance for Hypercholesterolemia, familial, 4. Last evaluated: 2021-09-01. Review status: criteria provided, single submitter. Criteria: ACMG Guidelines, 2015. Collection method: clinical testing. Allele origin: unknown.

PreventionGenetics, part of Exact Sciences
Classification: Uncertain significance for LDLRAP1-related condition. Last evaluated: 2023-10-30. Review status: no assertion criteria provided. Collection method: clinical testing. Allele origin: germline. Not counted in ClinVar's aggregate classification.
Comment: The LDLRAP1 c.122C>T variant is predicted to result in the amino acid substitution p.Thr41Met. To our knowledge, this variant has not been reported in the literature. This variant is reported in 0.040% of alleles in individuals of African descent in gnomAD. At this time, the clinical significance of this variant is uncertain due to the absence of conclusive functional and genetic evidence.

Natera, Inc.
Classification: Uncertain significance for Familial hypercholesterolemia. Last evaluated: 2020-09-16. Review status: no assertion criteria provided. Collection method: clinical testing. Allele origin: germline. Not counted in ClinVar's aggregate classification.